The following is an entry in ClinVar:

NM_017654.4(SAMD9):c.891T>A (p.Ser297Arg)

Gene: SAMD9 (sterile alpha motif domain containing 9; minus strand). Cytogenetic location: 7q21.2.
Variant type: single nucleotide variant.
Coding change: c.891T>A on transcript NM_017654.4 (MANE Select); coding-DNA position 891, T replaced by A.
Protein change: p.Ser297Arg; replaces serine 297 with arginine.
Molecular consequence: missense variant.
Genome position (GRCh38, 1-based): chr7:93,105,207, A>T on the plus strand (T>A on the coding strand, the complement: SAMD9 is on the minus strand). VCF-style: chr7-93105207-A-T. GRCh37 (hg19) VCF-style: chr7-92734520-A-T.
Other names: c.891T>A, p.Ser297Arg (NM_001193307.2); short protein forms S297R.
Identifiers: ClinVar variation 3792030 (VCV003792030.1).

ClinVar aggregate classification (germline): Uncertain significance (1 of 4 stars; one submission).

Conditions:
Inborn genetic diseases. Identifiers: MedGen C0950123, MeSH D030342.

Submission:

Ambry Genetics
Classification: Uncertain significance for Inborn genetic diseases. Last evaluated: 2025-01-27. Review status: criteria provided, single submitter. Criteria: Ambry Variant Classification Scheme 2023. Collection method: clinical testing. Allele origin: germline.
Comment: The p.S297R variant (also known as c.891T>A), located in coding exon 1 of the SAMD9 gene, results from a T to A substitution at nucleotide position 891. The serine at codon 297 is replaced by arginine, an amino acid with dissimilar properties. This amino acid position is conserved. In addition, this alteration is predicted to be tolerated by in silico analysis. Based on the available evidence, the clinical significance of this variant remains unclear.